The following is an entry in ClinVar:

ClinVar aggregate classification (germline): Uncertain significance (1 of 4 stars; one submission).

Submission:

GeneDx
Classification: Uncertain significance. Last evaluated: 2026-08-31. Review status: criteria provided, single submitter. Criteria: GeneDx Variant Classification Process June 2021. Collection method: clinical testing. Allele origin: germline.
Comment: Not observed at significant frequency in large population cohorts (gnomAD); In silico analysis supports that this missense variant has a deleterious effect on protein structure/function; Has not been previously published as pathogenic or benign to our knowledge

NM_207037.2(TCF12):c.1114G>A (p.Gly372Ser)

Gene: TCF12 (transcription factor 12; plus strand). Cytogenetic location: 15q21.3.
Variant type: single nucleotide variant.
Coding change: c.1114G>A on transcript NM_207037.2 (MANE Select); coding-DNA position 1114, G replaced by A.
Protein change: p.Gly372Ser; replaces glycine 372 with serine.
Molecular consequence: missense variant.
Genome position (GRCh38, 1-based): chr15:57,243,550, G>A. VCF-style: chr15-57243550-G-A. GRCh37 (hg19) VCF-style: chr15-57535748-G-A.
Other names: c.604G>A, p.Gly202Ser (NM_001306219.3, NM_207040.2); c.406G>A, p.Gly136Ser (NM_001306220.3); c.1114G>A, p.Gly372Ser (NM_001322151.2, NM_001322152.2, NM_001322157.3 and 7 more transcripts); c.457G>A, p.Gly153Ser (NM_001322154.2); c.940G>A, p.Gly314Ser (NM_001322156.2, NM_001322158.2); c.1150G>A, p.Gly384Ser (NM_001322164.2); short protein forms G136S, G153S, G202S, G314S, G372S, G384S.
Identifiers: ClinVar variation 3903123 (VCV003903123.2).